The following is an entry in ClinVar:

ClinVar aggregate classification (germline): Uncertain significance (1 of 4 stars; one submission).

Conditions:
Werner syndrome (WRN). Identifiers: Orphanet 902, MedGen C0043119, MONDO:0010196, OMIM 277700.

Allele frequency attached by ClinVar (database versions not stated): gnomAD exomes below 0.00001.
gnomAD v4.1: 2 of 1,614,074 alleles (0.00012%); highest among the groups gnomAD compares: Non-Finnish European, 0.00017%; no homozygotes.

Submission:

Labcorp Genetics (formerly Invitae), Labcorp
Classification: Uncertain significance for Werner syndrome. Last evaluated: 2023-07-14. Review status: criteria provided, single submitter. Criteria: Invitae Variant Classification Sherloc (09022015). Collection method: clinical testing. Allele origin: germline.
Comment: This variant has not been reported in the literature in individuals affected with WRN-related conditions. In summary, the available evidence is currently insufficient to determine the role of this variant in disease. Therefore, it has been classified as a Variant of Uncertain Significance. Algorithms developed to predict the effect of missense changes on protein structure and function output the following: SIFT: "Not Available"; PolyPhen-2: "Benign"; Align-GVGD: "Not Available". The threonine amino acid residue is found in multiple mammalian species, which suggests that this missense change does not adversely affect protein function. ClinVar contains an entry for this variant (Variation ID: 458408). This variant is not present in population databases (gnomAD no frequency). This sequence change replaces arginine, which is basic and polar, with threonine, which is neutral and polar, at codon 721 of the WRN protein (p.Arg721Thr).

NM_000553.6(WRN):c.2162G>C (p.Arg721Thr)

Gene: WRN (WRN RecQ like helicase; plus strand). Cytogenetic location: 8p12.
Variant type: single nucleotide variant.
Coding change: c.2162G>C on transcript NM_000553.6 (MANE Select); coding-DNA position 2162, G replaced by C.
Protein change: p.Arg721Thr; replaces arginine 721 with threonine.
Molecular consequence: missense variant.
Genome position (GRCh38, 1-based): chr8:31,111,688, G>C. VCF-style: chr8-31111688-G-C. GRCh37 (hg19) VCF-style: chr8-30969204-G-C.
Other names: short protein forms R721T.
Identifiers: ClinVar variation 458408 (VCV000458408.7), dbSNP rs1554526744, ClinGen allele CA370912626.